The following is an entry in ClinVar:

NM_017739.4(POMGNT1):c.1812del (p.Arg605fs)

Genes: POMGNT1 (protein O-linked mannose N-acetylglucosaminyltransferase 1 (beta 1,2-); minus strand), TSPAN1 (tetraspanin 1; plus strand). Cytogenetic location: 1p34.1.
Variant type: Deletion.
Coding change: c.1812del on transcript NM_017739.4 (MANE Select); coding-DNA position 1812, one base deleted (G; older notation c.1812delG).
Protein change: p.Arg605fs; shifts the reading frame from arginine 605.
Molecular consequence: frameshift variant.
Genome position (GRCh38, 1-based): chr1:46,189,541, C deleted on the plus strand (G on the coding strand, the reverse complement: POMGNT1 is on the minus strand). VCF-style (leftmost placement, unchanged base first): chr1-46189540-GC-G. GRCh37 (hg19) VCF-style: chr1-46655212-GC-G.
Other names: c.1812del, p.Arg605fs (NM_001243766.2, NM_001410783.1); c.1746delG, p.Arg583Valfs (NM_001290129.3); c.1383del, p.Arg462fs (NM_001290130.2); short protein forms R583fs, R462fs, R605fs.
Identifiers: ClinVar variation 2105374 (VCV002105374.4), dbSNP rs2525336723, ClinGen allele CA2580062929.

ClinVar aggregate classification (germline): Pathogenic (1 of 4 stars; one submission).

Conditions:
Autosomal recessive limb-girdle muscular dystrophy type 2O. Also called: Limb-Girdle Muscular Dystrophy Type 3C; MUSCULAR DYSTROPHY-DYSTROGLYCANOPATHY (LIMB-GIRDLE), TYPE C, 3; MUSCULAR DYSTROPHY-DYSTROGLYCANOPATHY, LIMB-GIRDLE, POMGNT1-RELATED. Identifiers: Orphanet 206564, MedGen C3150417, MONDO:0013161, OMIM 613157.
Muscular dystrophy-dystroglycanopathy (congenital with impaired intellectual development), type B, 3. Also called: Muscular dystrophy-dystroglycanopathy (congenital with intellectual disability), type B3; MUSCULAR DYSTROPHY, CONGENITAL, POMGNT1-RELATED. Identifiers: MedGen C3150412, MONDO:0013155, OMIM 613151.

Submission:

Labcorp Genetics (formerly Invitae), Labcorp
Classification: Pathogenic for Autosomal recessive limb-girdle muscular dystrophy type 2O; Muscular dystrophy-dystroglycanopathy (congenital with impaired intellectual development), type B, 3. Last evaluated: 2022-09-07. Review status: criteria provided, single submitter. Criteria: Invitae Variant Classification Sherloc (09022015). Collection method: clinical testing. Allele origin: germline.
Comment: For these reasons, this variant has been classified as Pathogenic. This variant disrupts a region of the POMGNT1 protein in which other variant(s) (p.Arg605His) have been determined to be pathogenic (PMID: 12849864, 21361872). This suggests that this is a clinically significant region of the protein, and that variants that disrupt it are likely to be disease-causing. This variant has not been reported in the literature in individuals affected with POMGNT1-related conditions. This variant is not present in population databases (gnomAD no frequency). This sequence change creates a premature translational stop signal (p.Arg605Valfs*29) in the POMGNT1 gene. While this is not anticipated to result in nonsense mediated decay, it is expected to disrupt the last 56 amino acid(s) of the POMGNT1 protein.

Literature cited by the submitters: PubMed 12849864; PubMed 21361872.